The following is an entry in ClinVar:

NM_012193.4(FZD4):c.*5368C>T

Genes: PRSS23 (serine protease 23; plus strand), FZD4 (frizzled class receptor 4; minus strand). Cytogenetic location: 11q14.2.
Variant type: single nucleotide variant.
Coding change: c.*5368C>T on transcript NM_012193.4 (MANE Select); 5368 bases downstream of the stop codon, C replaced by T.
Molecular consequence: 3 prime UTR variant.
Genome position (GRCh38, 1-based): chr11:86,945,774, G>A on the plus strand (C>T on the coding strand, the complement: FZD4 is on the minus strand). VCF-style: chr11-86945774-G-A. GRCh37 (hg19) VCF-style: chr11-86656816-G-A.
Identifiers: ClinVar variation 306326 (VCV000306326.6), dbSNP rs79807722, ClinGen allele CA10639559.

ClinVar aggregate classification (germline): Benign. Review status: criteria provided, multiple submitters, no conflicts (2 of 4 stars). 2 submissions from 2 submitters: Benign (2). Last evaluated 2018-01-13.

Conditions:
Exudative vitreoretinopathy 1 (EVR1). Also called: CRISWICK-SCHEPENS SYNDROME; FEVR, AUTOSOMAL DOMINANT; Familial exudative vitreoretinopathy, autosomal dominant. Identifiers: Orphanet 891, Orphanet 90050, MedGen C1851402, MONDO:0007589, OMIM 133780.

Allele frequency attached by ClinVar (database versions not stated): gnomAD 0.01583 and 0.01601; 1000 Genomes Project 30x 0.01640; 1000 Genomes Project 0.01737; TOPMed 0.01800.

Submissions (2):

Illumina Laboratory Services, Illumina
Classification: Benign for Exudative vitreoretinopathy 1. Last evaluated: 2018-01-13. Review status: criteria provided, single submitter. Criteria: ICSL Variant Classification Criteria 13 December 2019. Collection method: clinical testing. Allele origin: germline.
Comment: This variant was observed in the ICSL laboratory as part of a predisposition screen in an ostensibly healthy population. It had not been previously curated by ICSL or reported in the Human Gene Mutation Database (HGMD: prior to June 1st, 2018), and was therefore a candidate for classification through an automated scoring system. Utilizing variant allele frequency, disease prevalence and penetrance estimates, and inheritance mode, an automated score was calculated to assess if this variant is too frequent to cause the disease. Based on the score and internal cut-off values, a variant classified as benign is not then subjected to further curation. The score for this variant resulted in a classification of benign for this disease.

Breakthrough Genomics
Classification: Benign. Review status: criteria provided, single submitter. Criteria: ACMG Guidelines, 2015. Collection method: not provided. Allele origin: germline. Inheritance: Autosomal dominant inheritance. Affected: yes.